The following is an entry in ClinVar:

NM_005861.4(STUB1):c.869T>C (p.Ile290Thr)

Genes: STUB1 (STIP1 homology and U-box containing protein 1; plus strand), JMJD8 (jumonji domain containing 8; minus strand). Cytogenetic location: 16p13.3.
Variant type: single nucleotide variant.
Coding change: c.869T>C on transcript NM_005861.4 (MANE Select); coding-DNA position 869, T replaced by C.
Protein change: p.Ile290Thr; replaces isoleucine 290 with threonine.
Molecular consequence: missense variant. On other transcripts: 3 prime UTR variant (5), non-coding transcript variant (3).
Genome position (GRCh38, 1-based): chr16:682,446, T>C. VCF-style: chr16-682446-T-C. GRCh37 (hg19) VCF-style: chr16-732446-T-C.
Other names: c.653T>C, p.Ile218Thr (NM_001293197.2); c.*348A>G (NM_001005920.4, NM_001323919.3, NM_001323920.3); c.*382A>G (NM_001323918.3, NM_001323922.3); c.869T>C (NM_005861.3); short protein forms I218T, I290T.
Identifiers: ClinVar variation 3777162 (VCV003777162.2).
Genomic context (GRCh38, chr16:682,446, plus strand): 5'-TGACCCGGAGCCCCCTGACCCAGGAACAGCTCATCCCCAACTTGGCTATGAAGGAGGTTA[T>C]TGACGCATTCATCTCTGAGAATGGCTGGGTGGAGGACTACTGAGGTTCCCTGCCCTACCT-3'
Protein context (NP_005852.2, residues 280-300): LIPNLAMKEV[Ile290Thr]DAFISENGWV

ClinVar aggregate classification (germline): Uncertain significance. Review status: criteria provided, multiple submitters, no conflicts (2 of 4 stars). 2 submissions from 2 submitters: Uncertain significance (2). Last evaluated 2025-03-11.

Conditions:
Spinocerebellar ataxia 48. Identifiers: Orphanet 631103, MedGen C4748158, MONDO:0032526, OMIM 618093.
Autosomal recessive spinocerebellar ataxia 16. Identifiers: Orphanet 412057, MedGen C5190574, MONDO:0014339, OMIM 615768.

Submissions (2):

Labcorp Genetics (formerly Invitae), Labcorp
Classification: Uncertain significance. Last evaluated: 2025-03-11. Review status: criteria provided, single submitter. Criteria: Invitae Variant Classification Sherloc (09022015). Collection method: clinical testing. Allele origin: germline.
Comment: This sequence change replaces isoleucine, which is neutral and non-polar, with threonine, which is neutral and polar, at codon 290 of the STUB1 protein (p.Ile290Thr). This variant is present in population databases (no rsID available, gnomAD 0.004%). This variant has not been reported in the literature in individuals affected with STUB1-related conditions. Invitae Evidence Modeling of protein sequence and biophysical properties (such as structural, functional, and spatial information, amino acid conservation, physicochemical variation, residue mobility, and thermodynamic stability) indicates that this missense variant is not expected to disrupt STUB1 protein function with a negative predictive value of 80%. In summary, the available evidence is currently insufficient to determine the role of this variant in disease. Therefore, it has been classified as a Variant of Uncertain Significance.

University of Washington Department of Laboratory Medicine, University of Washington
Classification: Uncertain significance for Autosomal recessive spinocerebellar ataxia 16; Spinocerebellar ataxia 48. Last evaluated: 2022-01-20. Review status: criteria provided, single submitter. Criteria: ACMG Guidelines, 2015. Collection method: clinical testing. Allele origin: unknown. Affected: yes.
Comment: The p.Ile290Thr variant in the STUB1 gene has not been previously reported in association with disease. This variant has been identified in 1/249978 chromosomes by the Genome Aggregation Database. In silico tools do not consistently predict if the p.Ile290Thr variant impacts protein function; however, these predictions have not been tested directly. Using ACMG guidelines, this variant was classified as a variant of uncertain significance (ACMG evidence codes used: PM2_supporting).